The following is an entry in ClinVar:

ClinVar aggregate classification (germline): Uncertain significance. Review status: criteria provided, multiple submitters, no conflicts (2 of 4 stars). 2 submissions from 2 submitters: Uncertain significance (2). Last evaluated 2023-01-26.

Conditions:
Hereditary cancer-predisposing syndrome. Also called: Tumor predisposition; Hereditary neoplastic syndrome; Neoplastic Syndromes, Hereditary; Hereditary Cancer Syndrome. Identifiers: Orphanet 140162, MedGen C0027672, MeSH D009386, MONDO:0015356.
Oligodontia-cancer predisposition syndrome. Also called: TOOTH AGENESIS-COLORECTAL CANCER SYNDROME. Identifiers: Orphanet 300576, MedGen C1837750, MONDO:0012075, OMIM 608615. Disease mechanism: loss of function.

Allele frequency attached by ClinVar (database versions not stated): gnomAD exomes below 0.00001; TOPMed below 0.00001.
gnomAD v4.1: 1 of 1,605,936 alleles (0.000062%); highest among the groups gnomAD compares: Non-Finnish European, 0.000085%; no homozygotes.

Submissions (2):

Labcorp Genetics (formerly Invitae), Labcorp
Classification: Uncertain significance for Oligodontia-cancer predisposition syndrome. Last evaluated: 2023-01-26. Review status: criteria provided, single submitter. Criteria: Invitae Variant Classification Sherloc (09022015). Collection method: clinical testing. Allele origin: germline.
Comment: Advanced modeling of protein sequence and biophysical properties (such as structural, functional, and spatial information, amino acid conservation, physicochemical variation, residue mobility, and thermodynamic stability) performed at Invitae indicates that this missense variant is expected to disrupt AXIN2 protein function. In summary, the available evidence is currently insufficient to determine the role of this variant in disease. Therefore, it has been classified as a Variant of Uncertain Significance. ClinVar contains an entry for this variant (Variation ID: 950445). This variant has not been reported in the literature in individuals affected with AXIN2-related conditions. This variant is not present in population databases (gnomAD no frequency). This sequence change replaces glycine, which is neutral and non-polar, with arginine, which is basic and polar, at codon 288 of the AXIN2 protein (p.Gly288Arg).

Ambry Genetics
Classification: Uncertain significance for Hereditary cancer-predisposing syndrome. Last evaluated: 2021-12-25. Review status: criteria provided, single submitter. Criteria: Ambry Variant Classification Scheme 2023. Collection method: clinical testing. Allele origin: germline.
Comment: The p.G288R variant (also known as c.862G>C), located in coding exon 2 of the AXIN2 gene, results from a G to C substitution at nucleotide position 862. The glycine at codon 288 is replaced by arginine, an amino acid with dissimilar properties. This amino acid position is conserved. In addition, this alteration is predicted to be deleterious by in silico analysis. Since supporting evidence is limited at this time, the clinical significance of this alteration remains unclear.

NM_004655.4(AXIN2):c.862G>C (p.Gly288Arg)

Gene: AXIN2 (axin 2; minus strand). Cytogenetic location: 17q24.1.
Variant type: single nucleotide variant.
Coding change: c.862G>C on transcript NM_004655.4 (MANE Select); coding-DNA position 862, G replaced by C.
Protein change: p.Gly288Arg; replaces glycine 288 with arginine.
Molecular consequence: missense variant.
Genome position (GRCh38, 1-based): chr17:65,549,614, C>G on the plus strand (G>C on the coding strand, the complement: AXIN2 is on the minus strand). VCF-style: chr17-65549614-C-G. GRCh37 (hg19) VCF-style: chr17-63545732-C-G.
Other names: c.862G>C, p.Gly288Arg (NM_001363813.1); short protein forms G288R.
Identifiers: ClinVar variation 950445 (VCV000950445.11), dbSNP rs2044164324, ClinGen allele CA400679619.